The following is an entry in ClinVar:

ClinVar aggregate classification (germline): Conflicting classifications of pathogenicity. Review status: criteria provided, conflicting classifications (1 of 4 stars). 3 submissions from 3 submitters: Likely pathogenic (1); Uncertain significance (1). 1 of the submissions does not count toward it. Last evaluated 2025-03-23.

Conditions:
Invasive pneumococcal disease, recurrent isolated. Also called: Invasive pneumococcal disease, recurrent isolated, 2; Invasive pneumococcal disease, recurrent isolated, 1. Identifiers: MedGen CN228622.
Immunodeficiency 67. Also called: Immunodeficiency due to interleukin-1 receptor-associated kinase-4 deficiency. Identifiers: Orphanet 70592, MedGen C1843256, MONDO:0011888, OMIM 607676.

Allele frequency attached by ClinVar (database versions not stated): gnomAD 0.00002; TOPMed 0.00002.
gnomAD v4.1: 3 of 152,204 alleles (0.002%); highest among the groups gnomAD compares: Non-Finnish European, 0.0029%; no homozygotes.

Submissions (3):

Labcorp Genetics (formerly Invitae), Labcorp
Classification: Likely pathogenic for Immunodeficiency 67. Last evaluated: 2025-03-23. Review status: criteria provided, single submitter. Criteria: Invitae Variant Classification Sherloc (09022015). Collection method: clinical testing. Allele origin: germline.
Comment: This sequence change falls in intron 10 of the IRAK4 gene. It does not directly change the encoded amino acid sequence of the IRAK4 protein. RNA analysis indicates that this variant induces altered splicing and may result in an absent or altered protein product. This variant is not present in population databases (gnomAD no frequency). This variant has been observed in individual(s) with IRAK-4 deficiency (PMID: 16950813, 21057262). In at least one individual the data is consistent with being in trans (on the opposite chromosome) from a pathogenic variant. ClinVar contains an entry for this variant (Variation ID: 3842). Studies have shown that this variant results in retention of an intronic fragment, and produces a non-functional protein and/or introduces a premature termination codon (PMID: 16950813). In summary, the currently available evidence indicates that the variant is pathogenic, but additional data are needed to prove that conclusively. Therefore, this variant has been classified as Likely Pathogenic.

Blueprint Genetics
Classification: Uncertain significance. Last evaluated: 2024-03-18. Review status: criteria provided, single submitter. Criteria: ACMG Guidelines, 2015. Collection method: clinical testing. Allele origin: germline.

OMIM
Classification: Pathogenic for IMMUNODEFICIENCY 67. Last evaluated: 2007-01-01. Review status: no assertion criteria provided. Collection method: literature only. Allele origin: germline. Not counted in ClinVar's aggregate classification.

Literature cited by the submitters: PubMed 16950813 (cited by Labcorp Genetics (formerly Invitae), Labcorp and OMIM); PubMed 21057262 (cited by Labcorp Genetics (formerly Invitae), Labcorp).

NM_016123.4(IRAK4):c.1188+520A>G

Gene: IRAK4 (interleukin 1 receptor associated kinase 4; plus strand). Cytogenetic location: 12q12.
Variant type: single nucleotide variant.
Coding change: c.1188+520A>G on transcript NM_016123.4 (MANE Select); 520 bases into the intron after coding-DNA position 1188, A replaced by G.
Molecular consequence: intron variant.
Genome position (GRCh38, 1-based): chr12:43,784,244, A>G. VCF-style: chr12-43784244-A-G. GRCh37 (hg19) VCF-style: chr12-44178047-A-G.
Other names: IVS10 +520A-G; c.816+520A>G (NM_001351338.2, NM_001351341.2, NM_001351339.2 and 5 more transcripts); c.1188+520A>G (NM_001351345.2, NM_001114182.3); c.579+520A>G (NM_001351343.2, NM_001351344.2).
Identifiers: ClinVar variation 3842 (VCV000003842.13), dbSNP rs944235493, ClinGen allele CA236376789.
Genomic context (GRCh38, chr12:43,784,244, plus strand): 5'-CCAAATTTGCTATTGTTAGGAAAAATTCATATCATGTTTTTCCTTTGCTCTCACACCACA[A>G]CAACAATCAACACAGAAGATTTCTGTGACCAAATGCGACTGGGAAGGGTTTCTCCCCACC-3'